The following is an entry in ClinVar:

ClinVar aggregate classification (germline): Uncertain significance. Review status: criteria provided, multiple submitters, no conflicts (2 of 4 stars). 6 submissions from 6 submitters: Uncertain significance (4). 2 of the submissions do not count toward it. Last evaluated 2026-10-24.

Conditions:
Cardiovascular phenotype. Identifiers: MedGen CN230736.
Alstrom syndrome (ALMS). Identifiers: Orphanet 64, MedGen C0268425, MONDO:0008763, OMIM 203800.

Allele frequency attached by ClinVar (database versions not stated): gnomAD 0.00013; 1000 Genomes Project 30x 0.00031; 1000 Genomes Project 0.00040; ESP Exome Variant Server 0.00008; TOPMed 0.00010.
gnomAD v4.1: 57 of 1,613,868 alleles (0.0035%); highest among the groups gnomAD compares: African/African-American, 0.064%; no homozygotes.

Submissions (6):

GeneDx
Classification: Uncertain significance. Last evaluated: 2026-10-24. Review status: criteria provided, single submitter. Criteria: GeneDx Variant Classification Process June 2021. Collection method: clinical testing. Allele origin: germline.
Comment: Has not been previously published as pathogenic or benign to our knowledge; In silico analysis suggests that this missense variant does not alter protein structure/function

Women's Health and Genetics/Laboratory Corporation of America, LabCorp
Classification: Uncertain significance. Last evaluated: 2026-03-03. Review status: criteria provided, single submitter. Criteria: LabCorp Variant Classification Summary - May 2015. Collection method: clinical testing. Allele origin: germline.

Ambry Genetics
Classification: Uncertain significance for Cardiovascular phenotype. Last evaluated: 2024-05-15. Review status: criteria provided, single submitter. Criteria: Ambry Variant Classification Scheme 2023. Collection method: clinical testing. Allele origin: germline.
Comment: The p.R3739Q variant (also known as c.11216G>A), located in coding exon 16 of the ALMS1 gene, results from a G to A substitution at nucleotide position 11216. The arginine at codon 3739 is replaced by glutamine, an amino acid with highly similar properties. This amino acid position is highly conserved in available vertebrate species. In addition, this alteration is predicted to be tolerated by in silico analysis. Since supporting evidence is limited at this time, the clinical significance of this alteration remains unclear.

Labcorp Genetics (formerly Invitae), Labcorp
Classification: Uncertain significance for Alstrom syndrome. Last evaluated: 2024-01-16. Review status: criteria provided, single submitter. Criteria: Invitae Variant Classification Sherloc (09022015). Collection method: clinical testing. Allele origin: germline.
Comment: This sequence change replaces arginine, which is basic and polar, with glutamine, which is neutral and polar, at codon 3739 of the ALMS1 protein (p.Arg3739Gln). This variant is present in population databases (rs200378498, gnomAD 0.05%). This variant has not been reported in the literature in individuals affected with ALMS1-related conditions. ClinVar contains an entry for this variant (Variation ID: 553938). Experimental studies and prediction algorithms are not available or were not evaluated, and the functional significance of this variant is currently unknown. In summary, the available evidence is currently insufficient to determine the role of this variant in disease. Therefore, it has been classified as a Variant of Uncertain Significance.

Natera, Inc.
Classification: Uncertain significance for Alstrom syndrome. Last evaluated: 2021-02-19. Review status: no assertion criteria provided. Collection method: clinical testing. Allele origin: germline. Not counted in ClinVar's aggregate classification.

Counsyl
Classification: Uncertain significance for Alstrom syndrome. Last evaluated: 2017-09-20. Review status: no assertion criteria provided. Collection method: clinical testing. Allele origin: unknown. Not counted in ClinVar's aggregate classification.

NM_001378454.1(ALMS1):c.11213G>A (p.Arg3738Gln)

Gene: ALMS1 (ALMS1 centrosome and basal body associated protein; plus strand). Cytogenetic location: 2p13.1.
Variant type: single nucleotide variant.
Coding change: c.11213G>A on transcript NM_001378454.1 (MANE Select); coding-DNA position 11213, G replaced by A.
Protein change: p.Arg3738Gln; replaces arginine 3738 with glutamine.
Molecular consequence: missense variant.
Genome position (GRCh38, 1-based): chr2:73,573,090, G>A. VCF-style: chr2-73573090-G-A. GRCh37 (hg19) VCF-style: chr2-73800217-G-A.
Other names: c.11216G>A, p.Arg3739Gln (NM_015120.4); short protein forms R3739Q, R3738Q.
Identifiers: ClinVar variation 553938 (VCV000553938.22), dbSNP rs200378498, ClinGen allele CA1715139.